The following is an entry in ClinVar:

NM_152594.3(SPRED1):c.71_72delinsTT (p.Arg24Leu)

Gene: SPRED1 (sprouty related EVH1 domain containing 1; plus strand). Cytogenetic location: 15q14.
Variant type: Indel.
Coding change: c.71_72delinsTT on transcript NM_152594.3 (MANE Select); coding-DNA positions 71 to 72, GA replaced by TT.
Protein change: p.Arg24Leu; replaces arginine 24 with leucine.
Molecular consequence: missense variant.
Genome position (GRCh38, 1-based): chr15:38,299,411-38,299,412, GA replaced by TT. VCF-style: chr15-38299411-GA-TT. GRCh37 (hg19) VCF-style: chr15-38591612-GA-TT.
Other names: short protein forms R24L.
Identifiers: ClinVar variation 1314093 (VCV001314093.2), dbSNP rs2140978413, ClinGen allele CA2573053990.

ClinVar aggregate classification (germline): Uncertain significance (1 of 4 stars; one submission).

Submission:

GeneDx
Classification: Uncertain significance. Last evaluated: 2021-01-27. Review status: criteria provided, single submitter. Criteria: GeneDx Variant Classification Process June 2021. Collection method: clinical testing. Allele origin: germline. Affected: yes.
Comment: Not observed in large population cohorts (Lek et al., 2016); In silico analysis supports a deleterious effect on protein structure/function; Has not been previously published as pathogenic or benign to our knowledge